The following is an entry in ClinVar:

NM_144672.4(OTOA):c.1073A>T (p.His358Leu)

Gene: OTOA (otoancorin). Cytogenetic location: 16p12.2.
Variant type: single nucleotide variant.
Coding change: c.1073A>T on transcript NM_144672.4 (MANE Select); coding-DNA position 1073, A replaced by T.
Protein change: p.His358Leu; replaces histidine 358 with leucine.
Molecular consequence: missense variant.
Genome position (GRCh38, 1-based): chr16:21,705,261, A>T. VCF-style: chr16-21705261-A-T. GRCh37 (hg19) VCF-style: chr16-21716582-A-T.
Other names: c.1073A>T (NM_144672.3); c.836A>T, p.His279Leu (NM_001161683.2); c.101A>T, p.His34Leu (NM_170664.3); short protein forms H358L, H279L, H34L.
Identifiers: ClinVar variation 1410521 (VCV001410521.7), dbSNP rs548486726, ClinGen allele CA7952529.

ClinVar aggregate classification (germline): Uncertain significance. Review status: criteria provided, multiple submitters, no conflicts (2 of 4 stars). 3 submissions from 3 submitters: Uncertain significance (3). Last evaluated 2025-08-14.

Conditions:
Inborn genetic diseases. Identifiers: MedGen C0950123, MeSH D030342.

Allele frequency attached by ClinVar (database versions not stated): ExAC 0.00003; gnomAD 0.00009 and 0.00011; gnomAD exomes 0.00005 and 0.00008; TOPMed 0.00009.
gnomAD v4.1: 87 of 1,613,964 alleles (0.0054%); highest among the groups gnomAD compares: Admixed American, 0.015%; no homozygotes.

Submissions (3):

GeneDx
Classification: Uncertain significance. Last evaluated: 2025-08-14. Review status: criteria provided, single submitter. Criteria: GeneDx Variant Classification Process June 2021. Collection method: clinical testing. Allele origin: germline. Affected: yes.
Comment: In silico analysis suggests that this missense variant does not alter protein structure/function; Has not been previously published as pathogenic or benign to our knowledge

Ambry Genetics
Classification: Uncertain significance for Inborn genetic diseases. Last evaluated: 2024-09-04. Review status: criteria provided, single submitter. Criteria: Ambry Variant Classification Scheme 2023. Collection method: clinical testing. Allele origin: germline.

Labcorp Genetics (formerly Invitae), Labcorp
Classification: Uncertain significance. Last evaluated: 2022-08-01. Review status: criteria provided, single submitter. Criteria: Invitae Variant Classification Sherloc (09022015). Collection method: clinical testing. Allele origin: germline.
Comment: This sequence change replaces histidine, which is basic and polar, with leucine, which is neutral and non-polar, at codon 358 of the OTOA protein (p.His358Leu). This variant is present in population databases (rs548486726, gnomAD 0.02%). This variant has not been reported in the literature in individuals affected with OTOA-related conditions. ClinVar contains an entry for this variant (Variation ID: 1410521). Algorithms developed to predict the effect of missense changes on protein structure and function (SIFT, PolyPhen-2, Align-GVGD) all suggest that this variant is likely to be tolerated. In summary, the available evidence is currently insufficient to determine the role of this variant in disease. Therefore, it has been classified as a Variant of Uncertain Significance.